The following is an entry in ClinVar:

ClinVar aggregate classification (germline): Pathogenic/Likely pathogenic. Review status: criteria provided, multiple submitters, no conflicts (2 of 4 stars). 3 submissions from 3 submitters: Pathogenic (1); Likely pathogenic (1). 1 of the submissions does not count toward it. Last evaluated 2023-10-21.

Conditions:
PEX6-related disorder. Also called: PEX6-related condition; PEX6-related disorders.
Peroxisome biogenesis disorder. Identifiers: Orphanet 79189, MedGen C1832200, MONDO:0019234. Disease mechanism: loss of function.
Heimler syndrome 2 (HMLR2). Also called: PEROXISOME BIOGENESIS DISORDER 4C. Identifiers: Orphanet 3220, MedGen C4225267, OMIM 616617, MONDO:0014709.

Submissions (3):

Baylor Genetics
Classification: Likely pathogenic for Heimler syndrome 2. Last evaluated: 2023-10-21. Review status: criteria provided, single submitter. Criteria: ACMG Guidelines, 2015. Collection method: clinical testing. Allele origin: unknown.

Labcorp Genetics (formerly Invitae), Labcorp
Classification: Pathogenic for Peroxisome biogenesis disorder. Last evaluated: 2022-08-21. Review status: criteria provided, single submitter. Criteria: Invitae Variant Classification Sherloc (09022015). Collection method: clinical testing. Allele origin: germline.
Comment: This variant has not been reported in the literature in individuals affected with PEX6-related conditions. This variant is not present in population databases (gnomAD no frequency). This sequence change creates a premature translational stop signal (p.Tyr331*) in the PEX6 gene. It is expected to result in an absent or disrupted protein product. Loss-of-function variants in PEX6 are known to be pathogenic (PMID: 8670792, 19877282, 21031596). Algorithms developed to predict the effect of sequence changes on RNA splicing suggest that this variant may disrupt the consensus splice site. For these reasons, this variant has been classified as Pathogenic.

PreventionGenetics, part of Exact Sciences
Classification: Pathogenic for PEX6-related condition. Last evaluated: 2024-06-18. Review status: no assertion criteria provided. Collection method: clinical testing. Allele origin: germline. Not counted in ClinVar's aggregate classification.
Comment: The PEX6 c.993C>A variant is predicted to result in premature protein termination (p.Tyr331*). To our knowledge, this variant has not been reported in the literature. This variant has not been reported in a large population database, indicating this variant is rare. In ClinVar, this variant is interpreted as likely pathogenic and pathogenic. Nonsense variants in PEX6 are expected to be pathogenic. This variant is interpreted as pathogenic.

Literature cited by the submitters: PubMed 8670792 (cited by Labcorp Genetics (formerly Invitae), Labcorp); PubMed 19877282 (cited by Labcorp Genetics (formerly Invitae), Labcorp); PubMed 21031596 (cited by Labcorp Genetics (formerly Invitae), Labcorp).

NM_000287.4(PEX6):c.993C>A (p.Tyr331Ter)

Gene: PEX6 (peroxisomal biogenesis factor 6; minus strand). Cytogenetic location: 6p21.1.
Variant type: single nucleotide variant.
Coding change: c.993C>A on transcript NM_000287.4 (MANE Select); coding-DNA position 993, C replaced by A.
Protein change: p.Tyr331Ter; replaces tyrosine 331 with a stop codon.
Molecular consequence: nonsense. On other transcripts: non-coding transcript variant (1).
Genome position (GRCh38, 1-based): chr6:42,974,928, G>T on the plus strand (C>A on the coding strand, the complement: PEX6 is on the minus strand). VCF-style: chr6-42974928-G-T. GRCh37 (hg19) VCF-style: chr6-42942666-G-T.
Other names: c.729C>A, p.Tyr243Ter (NM_001316313.2); c.993C>A (NM_000287.3); short protein forms Y331*, Y243*.
Identifiers: ClinVar variation 2086893 (VCV002086893.6), dbSNP rs896144215, ClinGen allele CA364159661.
Genomic context (GRCh38, chr6:42,974,928, plus strand): 5'-AGCTAACCTGGGTATCTGAAAGTGCCGGTAAAGAACACCGTCATAATTTCCATTAGTGCT[G>T]TAGTGGGGAGAAGACACAATTTCGATGTGTAACTCTCTGGCAAATGGAGGCCCAGGCAGC-3'